The following is an entry in ClinVar:

NM_000214.3(JAG1):c.322A>C (p.Asn108His)

Gene: JAG1 (jagged canonical Notch ligand 1; minus strand). Cytogenetic location: 20p12.2.
Variant type: single nucleotide variant.
Coding change: c.322A>C on transcript NM_000214.3 (MANE Select); coding-DNA position 322, A replaced by C.
Protein change: p.Asn108His; replaces asparagine 108 with histidine.
Molecular consequence: missense variant.
Genome position (GRCh38, 1-based): chr20:10,672,766, T>G on the plus strand (A>C on the coding strand, the complement: JAG1 is on the minus strand). VCF-style: chr20-10672766-T-G. GRCh37 (hg19) VCF-style: chr20-10653414-T-G.
Other names: short protein forms N108H.
Identifiers: ClinVar variation 1020741 (VCV001020741.23), dbSNP rs1242473299, ClinGen allele CA408242646.
Genomic context (GRCh38, chr20:10,672,766, plus strand): 5'-AGGCGAAACTGAAAGGCAGCACGATGCGGTTGCGGTCGTTGCCGCGGCTGGCCTTGAGGT[T>G]GAAGGTGTTGCCCCCGATGACAGGCGTGGACCCTGAGCCGAAGCTGCAGGGCCCCCCGGC-3'
Protein context (NP_000205.1, residues 98-118): STPVIGGNTF[Asn108His]LKASRGNDRN

ClinVar aggregate classification (germline): Uncertain significance. Review status: criteria provided, multiple submitters, no conflicts (2 of 4 stars). 3 submissions from 3 submitters: Uncertain significance (3). Last evaluated 2024-09-01.

Conditions:
Alagille syndrome due to a JAG1 point mutation. Also called: HEPATIC DUCTULAR HYPOPLASIA, SYNDROMATIC; Alagille Syndrome 1; JAG1-Related Alagille Syndrome. Identifiers: Orphanet 261619, Orphanet 52, MedGen C1956125, MONDO:0016862, OMIM 118450.
Deafness, congenital heart defects, and posterior embryotoxon (DCHE). Identifiers: MedGen C1866053, MONDO:0060713, OMIM 617992.
Tetralogy of Fallot (TOF). Identifiers: Orphanet 3303, MedGen C0039685, MONDO:0008542, OMIM 187500, HP:0001636.
Charcot-Marie-Tooth disease, axonal, Type 2HH. Also called: CHARCOT-MARIE-TOOTH NEUROPATHY, TYPE 2HH. Identifiers: MedGen C5562003, MONDO:0030458, OMIM 619574.

gnomAD v4.1: 3 of 1,613,060 alleles (0.00019%); highest among the groups gnomAD compares: South Asian, 0.0011%; no homozygotes.

Submissions (3):

CeGaT Center for Human Genetics Tuebingen
Classification: Uncertain significance. Last evaluated: 2024-09-01. Review status: criteria provided, single submitter. Criteria: CeGaT Center For Human Genetics Tuebingen Variant Classification Criteria Version 2. Collection method: clinical testing. Allele origin: germline. Affected: yes. Observed: 1 variant allele.

Labcorp Genetics (formerly Invitae), Labcorp
Classification: Uncertain significance for Alagille syndrome due to a JAG1 point mutation. Last evaluated: 2024-08-16. Review status: criteria provided, single submitter. Criteria: Invitae Variant Classification Sherloc (09022015). Collection method: clinical testing. Allele origin: germline.
Comment: This sequence change replaces asparagine, which is neutral and polar, with histidine, which is basic and polar, at codon 108 of the JAG1 protein (p.Asn108His). This variant is not present in population databases (gnomAD no frequency). This variant has not been reported in the literature in individuals affected with JAG1-related conditions. ClinVar contains an entry for this variant (Variation ID: 1020741). Invitae Evidence Modeling of protein sequence and biophysical properties (such as structural, functional, and spatial information, amino acid conservation, physicochemical variation, residue mobility, and thermodynamic stability) indicates that this missense variant is not expected to disrupt JAG1 protein function with a negative predictive value of 95%. In summary, the available evidence is currently insufficient to determine the role of this variant in disease. Therefore, it has been classified as a Variant of Uncertain Significance.

Fulgent Genetics
Classification: Uncertain significance for Alagille syndrome due to a JAG1 point mutation; Tetralogy of Fallot; Deafness, congenital heart defects, and posterior embryotoxon; Charcot-Marie-Tooth disease, axonal, Type 2HH. Last evaluated: 2022-01-09. Review status: criteria provided, single submitter. Criteria: ACMG Guidelines, 2015. Collection method: clinical testing. Allele origin: unknown.